The following is an entry in ClinVar:

ClinVar aggregate classification (germline): Uncertain significance (1 of 4 stars; one submission).

Conditions:
Charcot-Marie-Tooth disease type 2. Also called: Charcot-Marie-Tooth type 2. Identifiers: Orphanet 64746, MedGen C0270914, MONDO:0018993.

Submission:

Labcorp Genetics (formerly Invitae), Labcorp
Classification: Uncertain significance for Charcot-Marie-Tooth disease type 2. Last evaluated: 2025-03-15. Review status: criteria provided, single submitter. Criteria: Invitae Variant Classification Sherloc (09022015). Collection method: clinical testing. Allele origin: germline.
Comment: This sequence change replaces valine, which is neutral and non-polar, with leucine, which is neutral and non-polar, at codon 964 of the KIF1B protein (p.Val964Leu). This variant is present in population databases (rs774029401, gnomAD 0.0009%). This variant has not been reported in the literature in individuals affected with KIF1B-related conditions. Invitae Evidence Modeling of protein sequence and biophysical properties (such as structural, functional, and spatial information, amino acid conservation, physicochemical variation, residue mobility, and thermodynamic stability) indicates that this missense variant is not expected to disrupt KIF1B protein function with a negative predictive value of 80%. In summary, the available evidence is currently insufficient to determine the role of this variant in disease. Therefore, it has been classified as a Variant of Uncertain Significance.

NM_001365951.3(KIF1B):c.3028G>C (p.Val1010Leu)

Gene: KIF1B (kinesin family member 1B; plus strand). Cytogenetic location: 1p36.22.
Variant type: single nucleotide variant.
Coding change: c.3028G>C on transcript NM_001365951.3 (MANE Select); coding-DNA position 3028, G replaced by C.
Protein change: p.Val1010Leu; replaces valine 1010 with leucine.
Molecular consequence: missense variant.
Genome position (GRCh38, 1-based): chr1:10,334,623, G>C. VCF-style: chr1-10334623-G-C. GRCh37 (hg19) VCF-style: chr1-10394681-G-C.
Other names: c.3028G>C, p.Val1010Leu (NM_001365952.1); c.2890G>C, p.Val964Leu (NM_015074.3); short protein forms V964L, V1010L.
Identifiers: ClinVar variation 4755097 (VCV004755097.1).